The following is an entry in ClinVar:

ClinVar aggregate classification (germline): Benign (1 of 4 stars; one submission).

Conditions:
Deficiency of acetyl-CoA acetyltransferase. Also called: Beta-ketothiolase deficiency; 3-KETOTHIOLASE DEFICIENCY; 3-OXOTHIOLASE DEFICIENCY; MITOCHONDRIAL ACETOACETYL-CoA THIOLASE DEFICIENCY. Identifiers: Orphanet 134, MedGen C1536500, MONDO:0008760, OMIM 203750. Disease mechanism: loss of function.

Allele frequency attached by ClinVar (database versions not stated): gnomAD 0.00908 and 0.00968; 1000 Genomes Project 0.00958; gnomAD exomes 0.00048; 1000 Genomes Project 30x 0.00906; TOPMed 0.00980.

Submission:

Illumina Laboratory Services, Illumina
Classification: Benign for Deficiency of acetyl-CoA acetyltransferase. Last evaluated: 2018-01-13. Review status: criteria provided, single submitter. Criteria: ICSL Variant Classification Criteria 13 December 2019. Collection method: clinical testing. Allele origin: germline.
Comment: This variant was observed in the ICSL laboratory as part of a predisposition screen in an ostensibly healthy population. It had not been previously curated by ICSL or reported in the Human Gene Mutation Database (HGMD: prior to June 1st, 2018), and was therefore a candidate for classification through an automated scoring system. Utilizing variant allele frequency, disease prevalence and penetrance estimates, and inheritance mode, an automated score was calculated to assess if this variant is too frequent to cause the disease. Based on the score and internal cut-off values, a variant classified as benign is not then subjected to further curation. The score for this variant resulted in a classification of benign for this disease.

NM_000019.3(ACAT1):c.*507G>A

Gene: ACAT1 (acetyl-CoA acetyltransferase 1; plus strand). Cytogenetic location: 11q22.3.
Variant type: single nucleotide variant.
Coding change: c.*507G>A on transcript NM_000019.3; 507 bases downstream of the stop codon, G replaced by A.
Genome position (GRCh38, 1-based): chr11:108,147,897, G>A. VCF-style: chr11-108147897-G-A. GRCh37 (hg19) VCF-style: chr11-108018624-G-A.
Identifiers: ClinVar variation 302225 (VCV000302225.7), dbSNP rs12271846, ClinGen allele CA10636984.